The following is an entry in ClinVar:

NM_001039141.3(TRIOBP):c.6741G>A (p.Leu2247=)

Gene: TRIOBP (TRIO and F-actin binding protein; plus strand). Cytogenetic location: 22q13.1.
Variant type: single nucleotide variant.
Coding change: c.6741G>A on transcript NM_001039141.3 (MANE Select); coding-DNA position 6741, G replaced by A.
Protein change: p.Leu2247=; no amino-acid change (leucine 2247 retained).
Molecular consequence: synonymous variant.
Genome position (GRCh38, 1-based): chr22:37,769,267, G>A. VCF-style: chr22-37769267-G-A. GRCh37 (hg19) VCF-style: chr22-38165274-G-A.
Other names: c.1602G>A, p.Leu534= (NM_007032.5).
Identifiers: ClinVar variation 165612 (VCV000165612.28), dbSNP rs375013523, ClinGen allele CA178362.

ClinVar aggregate classification (germline): Benign/Likely benign. Review status: criteria provided, multiple submitters, no conflicts (2 of 4 stars). 7 submissions from 7 submitters: Benign (2); Likely benign (4). 1 of the submissions does not count toward it. Last evaluated 2025-12-22.

Conditions:
TRIOBP-related disorder. Also called: TRIOBP-related condition.
Autosomal recessive nonsyndromic hearing loss 28. Identifiers: Orphanet 90636, MedGen C1853276, MONDO:0012355, OMIM 609823.

Allele frequency attached by ClinVar (database versions not stated): ESP Exome Variant Server 0.00162; gnomAD exomes 0.00017 and 0.00037; ExAC 0.00053; 1000 Genomes Project 30x 0.00109; gnomAD 0.00126 and 0.00137; 1000 Genomes Project 0.00140; TOPMed 0.00151.
gnomAD v4.1: 452 of 1,610,322 alleles (0.028%); highest among the groups gnomAD compares: African/African-American, 0.48%; 2 homozygotes.

Submissions (7):

Labcorp Genetics (formerly Invitae), Labcorp
Classification: Benign. Last evaluated: 2025-12-22. Review status: criteria provided, single submitter. Criteria: Invitae Variant Classification Sherloc (09022015). Collection method: clinical testing. Allele origin: germline.

Blueprint Genetics
Classification: Likely benign. Last evaluated: 2024-11-06. Review status: criteria provided, single submitter. Criteria: ACMG Guidelines, 2015. Collection method: clinical testing. Allele origin: germline.

GeneDx
Classification: Likely benign. Last evaluated: 2021-05-12. Review status: criteria provided, single submitter. Criteria: GeneDx Variant Classification Process June 2021. Collection method: clinical testing. Allele origin: germline. Affected: yes.

ARUP Laboratories, Molecular Genetics and Genomics, ARUP Laboratories
Classification: Benign for Autosomal recessive nonsyndromic hearing loss 28. Last evaluated: 2018-09-14. Review status: criteria provided, single submitter. Criteria: ARUP Molecular Germline Variant Investigation Process. Collection method: clinical testing. Allele origin: germline.

Laboratory for Molecular Medicine, Mass General Brigham Personalized Medicine
Classification: Likely benign. Last evaluated: 2012-04-30. Review status: criteria provided, single submitter. Criteria: LMM Criteria. Collection method: clinical testing. Allele origin: germline. Observed: 1 variant allele.
Comment: Leu2247Leu in Exon 21 of TRIOBP: This variant is not expected to have clinical s ignificance because it does not alter an amino acid residue, is not located with in the splice consensus sequence, and has been identified in 0.6% (19/3346) of A frican American chromosomes from a broad population by the NHLBI Exome Sequencin g Project.

Breakthrough Genomics
Classification: Likely benign. Review status: criteria provided, single submitter. Criteria: ACMG Guidelines, 2015. Collection method: not provided. Allele origin: germline. Inheritance: Autosomal recessive inheritance. Affected: yes.

PreventionGenetics, part of Exact Sciences
Classification: Likely benign for TRIOBP-related condition. Last evaluated: 2024-02-02. Review status: no assertion criteria provided. Collection method: clinical testing. Allele origin: germline. Not counted in ClinVar's aggregate classification.
Comment: This variant is classified as likely benign based on ACMG/AMP sequence variant interpretation guidelines (Richards et al. 2015 PMID: 25741868, with internal and published modifications).